The following is an entry in ClinVar:

ClinVar aggregate classification (germline): Benign/Likely benign. Review status: criteria provided, multiple submitters, no conflicts (2 of 4 stars). 2 submissions from 2 submitters: Benign (1); Likely benign (1). Last evaluated 2025-06-24.

Conditions:
Developmental and epileptic encephalopathy, 54. Also called: Epileptic encephalopathy, early infantile, 54; HNRNPU-Related Neurodevelopmental Disorder. Identifiers: MedGen C4479319, MONDO:0033363, OMIM 617391.

Allele frequency attached by ClinVar (database versions not stated): ExAC 0.00002.
gnomAD v4.1: 6 of 1,594,174 alleles (0.00038%); highest among the groups gnomAD compares: African/African-American, 0.0081%; no homozygotes.

Submissions (2):

Labcorp Genetics (formerly Invitae), Labcorp
Classification: Benign for Developmental and epileptic encephalopathy, 54. Last evaluated: 2025-06-24. Review status: criteria provided, single submitter. Criteria: Invitae Variant Classification Sherloc (09022015). Collection method: clinical testing. Allele origin: germline.

CeGaT Center for Human Genetics Tuebingen
Classification: Likely benign. Last evaluated: 2024-11-01. Review status: criteria provided, single submitter. Criteria: CeGaT Center For Human Genetics Tuebingen Variant Classification Criteria Version 2. Collection method: clinical testing. Allele origin: germline. Affected: yes. Observed: 1 variant allele.
Comment: HNRNPU: BS2

NM_031844.3(HNRNPU):c.542A>C (p.Lys181Thr)

Gene: HNRNPU (heterogeneous nuclear ribonucleoprotein U; minus strand). Cytogenetic location: 1q44.
Variant type: single nucleotide variant.
Coding change: c.542A>C on transcript NM_031844.3 (MANE Select); coding-DNA position 542, A replaced by C.
Protein change: p.Lys181Thr; replaces lysine 181 with threonine.
Molecular consequence: missense variant.
Genome position (GRCh38, 1-based): chr1:244,863,766, T>G on the plus strand (A>C on the coding strand, the complement: HNRNPU is on the minus strand). VCF-style: chr1-244863766-T-G. GRCh37 (hg19) VCF-style: chr1-245027068-T-G.
Other names: c.542A>C, p.Lys181Thr (NM_004501.3); short protein forms K181T.
Identifiers: ClinVar variation 2955487 (VCV002955487.17), dbSNP rs747403316, ClinGen allele CA1486780.